The following is an entry in ClinVar:

ClinVar aggregate classification (germline): Uncertain significance (1 of 4 stars; one submission).

Conditions:
Cardiovascular phenotype. Identifiers: MedGen CN230736.

gnomAD v4.1: 4 of 1,558,884 alleles (0.00026%); highest among the groups gnomAD compares: Non-Finnish European, 0.00035%; no homozygotes.

Submission:

Ambry Genetics
Classification: Uncertain significance for Cardiovascular phenotype. Last evaluated: 2025-01-04. Review status: criteria provided, single submitter. Criteria: Ambry Variant Classification Scheme 2023. Collection method: clinical testing. Allele origin: germline.
Comment: The p.G298E variant (also known as c.893G>A), located in coding exon 1 of the FKRP gene, results from a G to A substitution at nucleotide position 893. The glycine at codon 298 is replaced by glutamic acid, an amino acid with similar properties. This amino acid position is conserved. In addition, the in silico prediction for this alteration is inconclusive. Based on the available evidence, the clinical significance of this variant remains unclear.

NM_024301.5(FKRP):c.893G>A (p.Gly298Glu)

Gene: FKRP (fukutin related protein; plus strand). Cytogenetic location: 19q13.32.
Variant type: single nucleotide variant.
Coding change: c.893G>A on transcript NM_024301.5 (MANE Select); coding-DNA position 893, G replaced by A.
Protein change: p.Gly298Glu; replaces glycine 298 with glutamic acid.
Molecular consequence: missense variant.
Genome position (GRCh38, 1-based): chr19:46,756,343, G>A. VCF-style: chr19-46756343-G-A. GRCh37 (hg19) VCF-style: chr19-47259600-G-A.
Other names: c.893G>A, p.Gly298Glu (NM_001039885.3); short protein forms G298E.
Identifiers: ClinVar variation 3850535 (VCV003850535.1).